The following is an entry in ClinVar:

ClinVar aggregate classification (germline): Pathogenic. Review status: criteria provided, multiple submitters, no conflicts (2 of 4 stars). 2 submissions from 2 submitters: Pathogenic (2). Last evaluated 2025-04-24.

Conditions:
Hereditary cancer-predisposing syndrome. Also called: Hereditary neoplastic syndrome; Tumor predisposition; Neoplastic Syndromes, Hereditary; Hereditary Cancer Syndrome. Identifiers: Orphanet 140162, MedGen C0027672, MeSH D009386, MONDO:0015356.
Multiple endocrine neoplasia, type 1 (MEN1). Also called: MEN I; Endocrine adenomatosis multiple; MEN 1; WERMER SYNDROME; MEA I. Identifiers: Orphanet 652, MedGen C0025267, MeSH D018761, MONDO:0007540, OMIM 131100.

Submissions (2):

Ambry Genetics
Classification: Pathogenic for Hereditary cancer-predisposing syndrome. Last evaluated: 2025-04-24. Review status: criteria provided, single submitter. Criteria: Ambry Variant Classification Scheme 2023. Collection method: clinical testing. Allele origin: germline.
Comment: The p.K233* pathogenic mutation (also known as c.697A>T), located in coding exon 3 of the MEN1 gene, results from an A to T substitution at nucleotide position 697. This changes the amino acid from a lysine to a stop codon within coding exon 3. This alteration is expected to result in loss of function by premature protein truncation or nonsense-mediated mRNA decay. As such, this alteration is interpreted as a disease-causing mutation.

Labcorp Genetics (formerly Invitae), Labcorp
Classification: Pathogenic for Multiple endocrine neoplasia, type 1. Last evaluated: 2023-12-14. Review status: criteria provided, single submitter. Criteria: Invitae Variant Classification Sherloc (09022015). Collection method: clinical testing. Allele origin: germline.
Comment: This sequence change creates a premature translational stop signal (p.Lys233*) in the MEN1 gene. It is expected to result in an absent or disrupted protein product. Loss-of-function variants in MEN1 are known to be pathogenic (PMID: 12112656, 17853334). This variant is not present in population databases (gnomAD no frequency). This variant has not been reported in the literature in individuals affected with MEN1-related conditions. ClinVar contains an entry for this variant (Variation ID: 428039). RNA analysis performed to evaluate the impact of this premature translational stop signal on mRNA splicing indicates it does not significantly alter splicing (Invitae). For these reasons, this variant has been classified as Pathogenic.

Literature cited by the submitters: PubMed 12112656 (cited by Labcorp Genetics (formerly Invitae), Labcorp); PubMed 17853334 (cited by Labcorp Genetics (formerly Invitae), Labcorp).

NM_001370259.2(MEN1):c.697A>T (p.Lys233Ter)

Gene: MEN1 (menin 1; minus strand). Cytogenetic location: 11q13.1.
Variant type: single nucleotide variant.
Coding change: c.697A>T on transcript NM_001370259.2 (MANE Select); coding-DNA position 697, A replaced by T.
Protein change: p.Lys233Ter; replaces lysine 233 with a stop codon.
Molecular consequence: nonsense.
Genome position (GRCh38, 1-based): chr11:64,807,638, T>A on the plus strand (A>T on the coding strand, the complement: MEN1 is on the minus strand). VCF-style: chr11-64807638-T-A. GRCh37 (hg19) VCF-style: chr11-64575110-T-A.
Other names: c.697A>T, p.Lys233Ter (NM_001370261.2, NM_130799.3, NM_001370251.2 and 1 more transcripts); c.592A>T, p.Lys198Ter (NM_001370262.2, NM_001370263.2); c.712A>T, p.Lys238Ter (NM_130800.3, NM_130801.3, NM_130802.3 and 3 more transcripts); short protein forms K233*, K238*, K198*.
Identifiers: ClinVar variation 428039 (VCV000428039.10), dbSNP rs1114167499, ClinGen allele CA381184614.
Genomic context (GRCh38, chr11:64,807,638, plus strand): 5'-AGTCGGTGTGCAGGTCAATGGAAGGGTTGATGGCACACACCATGAACGCCACCTCCATCT[T>A]GCGGTCACAGCGCATGTATGATCCTTTCAGGTACAGCCAGCTCTTAGGGGGGGATGAGAT-3'